The following is an entry in ClinVar:

ClinVar aggregate classification (germline): Uncertain significance (1 of 4 stars; one submission).

Conditions:
PLXNA3-related disorder. Also called: PLXNA3-related condition.

gnomAD v4.1: 28 of 1,206,185 alleles (0.0023%); highest among the groups gnomAD compares: South Asian, 0.048%; no homozygotes.

Submission:

PreventionGenetics, part of Exact Sciences
Classification: Uncertain significance for PLXNA3-related condition. Last evaluated: 2024-12-14. Review status: criteria provided, single submitter. Criteria: ACMG Guidelines, 2015. Collection method: clinical testing. Allele origin: germline.
Comment: The PLXNA3 c.3585+8G>A variant is predicted to interfere with splicing. To our knowledge, this variant has not been reported in the literature. This variant is reported in 0.027% of alleles in individuals of South Asian descent in gnomAD. Although we suspect that this variant may be pathogenic, at this time, the clinical significance of this variant is uncertain due to the absence of conclusive functional and genetic evidence.

NM_017514.5(PLXNA3):c.3585+8G>A

Gene: PLXNA3 (plexin A3; plus strand). Cytogenetic location: Xq28.
Variant type: single nucleotide variant.
Coding change: c.3585+8G>A on transcript NM_017514.5 (MANE Select); 8 bases into the intron after coding-DNA position 3585, G replaced by A.
Molecular consequence: intron variant.
Genome position (GRCh38, 1-based): chrX:154,467,696, G>A. VCF-style: chrX-154467696-G-A. GRCh37 (hg19) VCF-style: chrX-153696039-G-A.
Identifiers: ClinVar variation 4987416 (VCV004987416.1).